The following is an entry in ClinVar:

NM_147127.5(EVC2):c.1363A>G (p.Thr455Ala)

Genes: EVC2 (EvC ciliary complex subunit 2; minus strand), LOC126806961 (BRD4-independent group 4 enhancer GRCh37_chr4:5641443-5642642; plus strand). Cytogenetic location: 4p16.2.
Variant type: single nucleotide variant.
Coding change: c.1363A>G on transcript NM_147127.5 (MANE Select); coding-DNA position 1363, A replaced by G.
Protein change: p.Thr455Ala; replaces threonine 455 with alanine.
Molecular consequence: missense variant.
Genome position (GRCh38, 1-based): chr4:5,640,621, T>C on the plus strand (A>G on the coding strand, the complement: EVC2 is on the minus strand). VCF-style: chr4-5640621-T-C. GRCh37 (hg19) VCF-style: chr4-5642348-T-C.
Other names: c.1123A>G, p.Thr375Ala (NM_001166136.2); short protein forms T455A, T375A.
Identifiers: ClinVar variation 4792956 (VCV004792956.1).
Genomic context (GRCh38, chr4:5,640,621, plus strand): 5'-TCATCTCTCTCTGGTACTGGTTTTCCATCTTCTTTCTTGTTTCCAGGTCACATTCAGCTG[T>C]CAATGCCACCATCTTCCGATCGTACTCCTCTTGTATTTCATTTTCCAGCAATAGAAACTG-3'
Protein context (NP_667338.3, residues 445-465): EEYDRKMVAL[Thr455Ala]AECDLETRKK

ClinVar aggregate classification (germline): Uncertain significance (1 of 4 stars; one submission).

Conditions:
Ellis-van Creveld syndrome (EVC). Also called: MESOECTODERMAL DYSPLASIA; EVC-Related Ellis-van Creveld Syndrome; EVC2-Related Ellis-van Creveld Syndrome; Chondroectodermal dysplasia. Identifiers: Orphanet 289, MedGen C0013903, MONDO:0009162, OMIM 225500.
Curry-Hall syndrome (WAD). Also called: WEYERS ACRODENTAL DYSOSTOSIS. Identifiers: Orphanet 952, MedGen C0457013, MONDO:0008673, OMIM 193530.

Submission:

Labcorp Genetics (formerly Invitae), Labcorp
Classification: Uncertain significance for Curry-Hall syndrome; Ellis-van Creveld syndrome. Last evaluated: 2025-04-23. Review status: criteria provided, single submitter. Criteria: Invitae Variant Classification Sherloc (09022015). Collection method: clinical testing. Allele origin: germline.
Comment: This sequence change replaces threonine, which is neutral and polar, with alanine, which is neutral and non-polar, at codon 455 of the EVC2 protein (p.Thr455Ala). This variant is not present in population databases (gnomAD no frequency). This variant has not been reported in the literature in individuals affected with EVC2-related conditions. An algorithm developed to predict the effect of missense changes on protein structure and function outputs the following: PolyPhen-2: "Benign". The alanine amino acid residue is found in multiple mammalian species, which suggests that this missense change does not adversely affect protein function. In summary, the available evidence is currently insufficient to determine the role of this variant in disease. Therefore, it has been classified as a Variant of Uncertain Significance.